The following is an entry in ClinVar:

ClinVar aggregate classification (germline): Uncertain significance. Review status: criteria provided, multiple submitters, no conflicts (2 of 4 stars). 2 submissions from 2 submitters: Uncertain significance (2). Last evaluated 2023-04-26.

Conditions:
Microcephaly 3, primary, autosomal recessive. Identifiers: Orphanet 2512, MedGen C1858108, MONDO:0011488, OMIM 604804.

Allele frequency attached by ClinVar (database versions not stated): gnomAD 0.00004; TOPMed 0.00005; ExAC 0.00008; gnomAD exomes 0.00010; 1000 Genomes Project 30x 0.00031; 1000 Genomes Project 0.00040.
gnomAD v4.1: 43 of 1,606,792 alleles (0.0027%); highest among the groups gnomAD compares: East Asian, 0.087%; no homozygotes.

Submissions (2):

Labcorp Genetics (formerly Invitae), Labcorp
Classification: Uncertain significance. Last evaluated: 2023-04-26. Review status: criteria provided, single submitter. Criteria: Invitae Variant Classification Sherloc (09022015). Collection method: clinical testing. Allele origin: germline.
Comment: This sequence change replaces arginine, which is basic and polar, with lysine, which is basic and polar, at codon 931 of the CDK5RAP2 protein (p.Arg931Lys). This variant is present in population databases (rs373118539, gnomAD 0.1%). This variant has not been reported in the literature in individuals affected with CDK5RAP2-related conditions. ClinVar contains an entry for this variant (Variation ID: 364761). Algorithms developed to predict the effect of missense changes on protein structure and function output the following: SIFT: "Not Available"; PolyPhen-2: "Benign"; Align-GVGD: "Not Available". The lysine amino acid residue is found in multiple mammalian species, which suggests that this missense change does not adversely affect protein function. In summary, the available evidence is currently insufficient to determine the role of this variant in disease. Therefore, it has been classified as a Variant of Uncertain Significance.

Illumina Laboratory Services, Illumina
Classification: Uncertain significance for Microcephaly 3, primary, autosomal recessive. Last evaluated: 2018-01-13. Review status: criteria provided, single submitter. Criteria: ICSL Variant Classification Criteria 13 December 2019. Collection method: clinical testing. Allele origin: germline.

NM_018249.6(CDK5RAP2):c.2792G>A (p.Arg931Lys)

Gene: CDK5RAP2 (CDK5 regulatory subunit associated protein 2; minus strand). Cytogenetic location: 9q33.2.
Variant type: single nucleotide variant.
Coding change: c.2792G>A on transcript NM_018249.6 (MANE Select); coding-DNA position 2792, G replaced by A.
Protein change: p.Arg931Lys; replaces arginine 931 with lysine.
Molecular consequence: missense variant. On other transcripts: non-coding transcript variant (5), intron variant (1).
Genome position (GRCh38, 1-based): chr9:120,453,457, C>T on the plus strand (G>A on the coding strand, the complement: CDK5RAP2 is on the minus strand). VCF-style: chr9-120453457-C-T. GRCh37 (hg19) VCF-style: chr9-123215735-C-T.
Other names: c.2792G>A, p.Arg931Lys (NM_001011649.3); c.2104-5331G>A (NM_001272039.2); short protein forms R931K.
Identifiers: ClinVar variation 364761 (VCV000364761.8), dbSNP rs373118539, ClinGen allele CA5213999.